The following is an entry in ClinVar:

NM_004064.5(CDKN1B):c.243G>T (p.Lys81Asn)

Gene: CDKN1B (cyclin dependent kinase inhibitor 1B; plus strand). Cytogenetic location: 12p13.1.
Variant type: single nucleotide variant.
Coding change: c.243G>T on transcript NM_004064.5 (MANE Select); coding-DNA position 243, G replaced by T.
Protein change: p.Lys81Asn; replaces lysine 81 with asparagine.
Molecular consequence: missense variant.
Genome position (GRCh38, 1-based): chr12:12,718,082, G>T. VCF-style: chr12-12718082-G-T. GRCh37 (hg19) VCF-style: chr12-12871016-G-T.
Other names: short protein forms K81N.
Identifiers: ClinVar variation 3265555 (VCV003265555.1).

ClinVar aggregate classification (germline): Uncertain significance (1 of 4 stars; one submission).

Conditions:
Hereditary cancer-predisposing syndrome. Also called: Hereditary Cancer Syndrome; Tumor predisposition; Hereditary neoplastic syndrome; Neoplastic Syndromes, Hereditary. Identifiers: Orphanet 140162, MedGen C0027672, MeSH D009386, MONDO:0015356.

Submission:

Ambry Genetics
Classification: Uncertain significance for Hereditary cancer-predisposing syndrome. Last evaluated: 2024-04-22. Review status: criteria provided, single submitter. Criteria: Ambry Variant Classification Scheme 2023. Collection method: clinical testing. Allele origin: germline.
Comment: The p.K81N variant (also known as c.243G>T), located in coding exon 1 of the CDKN1B gene, results from a G to T substitution at nucleotide position 243. The lysine at codon 81 is replaced by asparagine, an amino acid with similar properties. This amino acid position is conserved. In addition, this alteration is predicted to be tolerated by in silico analysis. Based on the available evidence, the clinical significance of this variant remains unclear.